The following is an entry in ClinVar:

NM_001376.5(DYNC1H1):c.5203C>T (p.Pro1735Ser)

Gene: DYNC1H1 (dynein cytoplasmic 1 heavy chain 1; plus strand). Cytogenetic location: 14q32.31.
Variant type: single nucleotide variant.
Coding change: c.5203C>T on transcript NM_001376.5 (MANE Select); coding-DNA position 5203, C replaced by T.
Protein change: p.Pro1735Ser; replaces proline 1735 with serine.
Molecular consequence: missense variant.
Genome position (GRCh38, 1-based): chr14:102,004,915, C>T. VCF-style: chr14-102004915-C-T. GRCh37 (hg19) VCF-style: chr14-102471252-C-T.
Other names: short protein forms P1735S.
Identifiers: ClinVar variation 2813715 (VCV002813715.3), dbSNP rs2503739169, ClinGen allele CA391045662.

ClinVar aggregate classification (germline): Uncertain significance (1 of 4 stars; one submission).

Conditions:
Charcot-Marie-Tooth disease axonal type 2O. Also called: CHARCOT-MARIE-TOOTH NEUROPATHY, AXONAL, TYPE 2O; CHARCOT-MARIE-TOOTH DISEASE, AXONAL, AUTOSOMAL DOMINANT, TYPE 2O; Charcot-Marie-Tooth Neuropathy Type 2O; Charcot-Marie-Tooth disease, axonal, type 20. Identifiers: Orphanet 284232, MedGen C3280220, MONDO:0013644, OMIM 614228.

Submission:

Labcorp Genetics (formerly Invitae), Labcorp
Classification: Uncertain significance for Charcot-Marie-Tooth disease axonal type 2O. Last evaluated: 2024-04-30. Review status: criteria provided, single submitter. Criteria: Invitae Variant Classification Sherloc (09022015). Collection method: clinical testing. Allele origin: germline.
Comment: This sequence change replaces proline, which is neutral and non-polar, with serine, which is neutral and polar, at codon 1735 of the DYNC1H1 protein (p.Pro1735Ser). This variant is not present in population databases (gnomAD no frequency). This variant has not been reported in the literature in individuals affected with DYNC1H1-related conditions. Advanced modeling of protein sequence and biophysical properties (such as structural, functional, and spatial information, amino acid conservation, physicochemical variation, residue mobility, and thermodynamic stability) performed at Invitae indicates that this missense variant is not expected to disrupt DYNC1H1 protein function with a negative predictive value of 95%. In summary, the available evidence is currently insufficient to determine the role of this variant in disease. Therefore, it has been classified as a Variant of Uncertain Significance.